The following is an entry in ClinVar:

ClinVar aggregate classification (germline): Uncertain significance (1 of 4 stars; one submission).

Allele frequency attached by ClinVar (database versions not stated): TOPMed below 0.00001; gnomAD 0.00001; gnomAD exomes 0.00007; 1000 Genomes Project 30x 0.00031.
gnomAD v4.1: 59 of 1,614,014 alleles (0.0037%); highest among the groups gnomAD compares: Non-Finnish European, 0.005%; no homozygotes.

Submission:

Labcorp Genetics (formerly Invitae), Labcorp
Classification: Uncertain significance. Last evaluated: 2022-03-19. Review status: criteria provided, single submitter. Criteria: Invitae Variant Classification Sherloc (09022015). Collection method: clinical testing. Allele origin: germline.
Comment: This sequence change replaces serine, which is neutral and polar, with phenylalanine, which is neutral and non-polar, at codon 572 of the HYOU1 protein (p.Ser572Phe). In summary, the available evidence is currently insufficient to determine the role of this variant in disease. Therefore, it has been classified as a Variant of Uncertain Significance. Algorithms developed to predict the effect of missense changes on protein structure and function are either unavailable or do not agree on the potential impact of this missense change (SIFT: "Deleterious"; PolyPhen-2: "Probably Damaging"; Align-GVGD: "Class C0"). This variant has not been reported in the literature in individuals affected with HYOU1-related conditions. This variant is not present in population databases (gnomAD no frequency).

NM_006389.5(HYOU1):c.1715C>T (p.Ser572Phe)

Gene: HYOU1 (hypoxia up-regulated 1; minus strand). Cytogenetic location: 11q23.3.
Variant type: single nucleotide variant.
Coding change: c.1715C>T on transcript NM_006389.5 (MANE Select); coding-DNA position 1715, C replaced by T.
Protein change: p.Ser572Phe; replaces serine 572 with phenylalanine.
Molecular consequence: missense variant.
Genome position (GRCh38, 1-based): chr11:119,049,788, G>A on the plus strand (C>T on the coding strand, the complement: HYOU1 is on the minus strand). VCF-style: chr11-119049788-G-A. GRCh37 (hg19) VCF-style: chr11-118920500-G-A.
Other names: c.1715C>T, p.Ser572Phe (NM_001130991.3, NM_001411041.1); short protein forms S572F.
Identifiers: ClinVar variation 1934189 (VCV001934189.5), dbSNP rs149700187, ClinGen allele CA229620548.